The following is an entry in ClinVar:

ClinVar aggregate classification (germline): Uncertain significance (1 of 4 stars; one submission).

Conditions:
Inborn genetic diseases. Identifiers: MedGen C0950123, MeSH D030342.

Submission:

Ambry Genetics
Classification: Uncertain significance for Inborn genetic diseases. Last evaluated: 2022-11-02. Review status: criteria provided, single submitter. Criteria: Ambry Variant Classification Scheme 2023. Collection method: clinical testing. Allele origin: germline.
Comment: The p.Q181K variant (also known as c.541C>A), located in coding exon 5 of the BUB1B gene, results from a C to A substitution at nucleotide position 541. The glutamine at codon 181 is replaced by lysine, an amino acid with similar properties. This amino acid position is conserved. In addition, this alteration is predicted to be tolerated by in silico analysis. Since supporting evidence is limited at this time, the clinical significance of this alteration remains unclear.

NM_001211.6(BUB1B):c.541C>A (p.Gln181Lys)

Gene: BUB1B (BUB1 mitotic checkpoint serine/threonine kinase B; plus strand). Cytogenetic location: 15q15.1.
Variant type: single nucleotide variant.
Coding change: c.541C>A on transcript NM_001211.6 (MANE Select); coding-DNA position 541, C replaced by A.
Protein change: p.Gln181Lys; replaces glutamine 181 with lysine.
Molecular consequence: missense variant.
Genome position (GRCh38, 1-based): chr15:40,176,633, C>A. VCF-style: chr15-40176633-C-A. GRCh37 (hg19) VCF-style: chr15-40468834-C-A.
Other names: short protein forms Q181K.
Identifiers: ClinVar variation 2450800 (VCV002450800.2), dbSNP rs889281728, ClinGen allele CA391681418.